The following is an entry in ClinVar:

NM_024426.6(WT1):c.247_248delinsCT (p.Ala83Leu)

Genes: WT1 (WT1 transcription factor; minus strand), LOC107982234 (WT1/WT1-AS bi-directional promoter region; plus strand). Cytogenetic location: 11p13.
Variant type: Indel.
Coding change: c.247_248delinsCT on transcript NM_024426.6 (MANE Select); coding-DNA positions 247 to 248, GC replaced by CT.
Protein change: p.Ala83Leu; replaces alanine 83 with leucine.
Molecular consequence: missense variant. On other transcripts: non-coding transcript variant (2).
Genome position (GRCh38, 1-based): chr11:32,435,113-32,435,114, GC replaced by AG on the plus strand (GC replaced by CT on the coding strand, the reverse complement: WT1 is on the minus strand). VCF-style: chr11-32435113-GC-AG. GRCh37 (hg19) VCF-style: chr11-32456659-GC-AG.
Other names: c.232_233delinsCT (NM_024426.4); c.247_248delinsCT, p.Ala83Leu (NM_000378.6, NM_001407044.1, NM_001407045.1 and 6 more transcripts); c.232_233delGCinsCT, p.Ala78Leu (NM_024425.2); short protein forms A83L, A78L.
Identifiers: ClinVar variation 2935563 (VCV002935563.4), dbSNP rs2494485539, ClinGen allele CA2740093681.

ClinVar aggregate classification (germline): Uncertain significance. Review status: criteria provided, multiple submitters, no conflicts (2 of 4 stars). 2 submissions from 2 submitters: Uncertain significance (2). Last evaluated 2024-04-29.

Conditions:
Drash syndrome (DDS). Also called: NEPHROPATHY, WILMS TUMOR, AND GENITAL ANOMALIES; WILMS TUMOR AND PSEUDO- OR TRUE HERMAPHRODITISM. Identifiers: Orphanet 220, MedGen C0950121, MONDO:0008682, OMIM 194080.
Wilms tumor 1 (WT1). Also called: Wilms tumor, somatic. Identifiers: Orphanet 654, MedGen CN033288, MONDO:0008679, OMIM 194070.
11p partial monosomy syndrome (WAGR). Also called: WAGR syndrome; WAGR Complex; CHROMOSOME 11p13 DELETION SYNDROME; WAGR Spectrum Disorder. Identifiers: Orphanet 893, MedGen C0206115, MONDO:0008681, OMIM 194072.
Frasier syndrome. Identifiers: Orphanet 347, MedGen C0950122, MeSH D052159, MONDO:0007635, OMIM 136680.

Submissions (2):

Labcorp Genetics (formerly Invitae), Labcorp
Classification: Uncertain significance for Wilms tumor 1; Drash syndrome; 11p partial monosomy syndrome; Frasier syndrome. Last evaluated: 2024-04-29. Review status: criteria provided, single submitter. Criteria: Invitae Variant Classification Sherloc (09022015). Collection method: clinical testing. Allele origin: germline.
Comment: This sequence change replaces alanine, which is neutral and non-polar, with leucine, which is neutral and non-polar, at codon 78 of the WT1 protein (p.Ala78Leu). Information on the frequency of this variant in the gnomAD database is not available, as this variant may be reported differently in the database. This variant has not been reported in the literature in individuals affected with WT1-related conditions. An algorithm developed to predict the effect of missense changes on protein structure and function (PolyPhen-2) suggests that this variant is likely to be disruptive. In summary, the available evidence is currently insufficient to determine the role of this variant in disease. Therefore, it has been classified as a Variant of Uncertain Significance.

GeneDx
Classification: Uncertain significance. Last evaluated: 2024-03-18. Review status: criteria provided, single submitter. Criteria: GeneDx Variant Classification Process June 2021. Collection method: clinical testing. Allele origin: germline. Affected: yes.
Comment: Not observed at significant frequency in large population cohorts (gnomAD); In silico analysis supports a deleterious effect on protein structure/function; Has not been previously published as pathogenic or benign to our knowledge